The following is an entry in ClinVar:

NM_000159.4(GCDH):c.852+223C>T

Gene: GCDH (glutaryl-CoA dehydrogenase; plus strand). Cytogenetic location: 19p13.13.
Variant type: single nucleotide variant.
Coding change: c.852+223C>T on transcript NM_000159.4 (MANE Select); 223 bases into the intron after coding-DNA position 852, C replaced by T.
Molecular consequence: intron variant.
Genome position (GRCh38, 1-based): chr19:12,896,644, C>T. VCF-style: chr19-12896644-C-T. GRCh37 (hg19) VCF-style: chr19-13007458-C-T.
Other names: c.852+223C>T (NM_013976.5).
Identifiers: ClinVar variation 221908 (VCV000221908.6), dbSNP rs11085825, ClinGen allele CA059869.

ClinVar aggregate classification (germline): Benign. Review status: criteria provided, multiple submitters, no conflicts (2 of 4 stars). 8 submissions from 8 submitters: Benign (5). 3 of the submissions do not count toward it. Last evaluated 2020-10-28.

Conditions:
Glutaric aciduria, type 1. Also called: Glutaric Acidemia Type 1; Glutaricaciduria, type I; Glutaryl-CoA dehydrogenase deficiency; Glutaric acidemia type I; GA I; Glutaricacidemia Type 1. Identifiers: Orphanet 25, MedGen C0268595, MONDO:0009281, OMIM 231670.

Allele frequency attached by ClinVar (database versions not stated): 1000 Genomes Project 0.25399; 1000 Genomes Project 30x 0.25671; gnomAD 0.30701 and 0.30906; TOPMed 0.31377.
gnomAD v4.1: 46,826 of 152,158 alleles (31%); highest among the groups gnomAD compares: Admixed American, 38%; 7,729 homozygotes.

Submissions (8):

H3Africa Consortium
Classification: Benign. Last evaluated: 2020-10-28. Review status: criteria provided, single submitter. Criteria: Choudhury A et al. (Nature 2020). Collection method: research. Allele origin: germline. Inheritance: Autosomal recessive inheritance. Study: H3Africa.
Comment: While the frequency of the alternate allele in gnoMAD v2.0.2 is 0.18, its frequency in African populations is >5%. This suggests that previous classifications of this variant as pathogenic are in error.

Mendelics
Classification: Benign for Glutaric aciduria, type 1. Last evaluated: 2019-05-28. Review status: criteria provided, single submitter. Criteria: Mendelics Assertion Criteria 2017. Collection method: clinical testing. Allele origin: unknown.

Laboratory for Molecular Medicine, Mass General Brigham Personalized Medicine
Classification: Benign. Last evaluated: 2018-08-22. Review status: criteria provided, single submitter. Criteria: ACMG Guidelines, 2015. Collection method: clinical testing. Allele origin: germline.
Comment: The c.852+223C>T variant in GCDH is classified as benign because it has been identified in 30% (9205/30886) of total chromosomes by the Genome Aggregation Database (gnomAD), including 1473 homozygotes. ACMG/AMP Criteria applied: BA1.

GeneDx
Classification: Benign. Last evaluated: 2018-06-14. Review status: criteria provided, single submitter. Criteria: GeneDx Variant Classification (06012015). Collection method: clinical testing. Allele origin: germline. Affected: yes.
Comment: This variant is considered likely benign or benign based on one or more of the following criteria: it is a conservative change, it occurs at a poorly conserved position in the protein, it is predicted to be benign by multiple in silico algorithms, and/or has population frequency not consistent with disease.

Breakthrough Genomics
Classification: Benign. Review status: criteria provided, single submitter. Criteria: ACMG Guidelines, 2015. Collection method: not provided. Allele origin: germline. Inheritance: Autosomal recessive inheritance. Affected: yes.

Natera, Inc.
Classification: Benign for Glutaric acidemia type 1. Last evaluated: 2020-05-31. Review status: no assertion criteria provided. Collection method: clinical testing. Allele origin: germline. Not counted in ClinVar's aggregate classification.

Reproductive Health Research and Development, BGI Genomics
Classification: Benign for Glutaric aciduria, type 1. Last evaluated: 2020-01-06. Review status: no assertion criteria provided. Collection method: curation. Allele origin: germline. Not counted in ClinVar's aggregate classification.
Comment: NG_009292.1(NM_000159.3):c.852+223C>T in the gene GCDH has an allele frequency of 0.361 in Latino subpopulation in the gnomAD database. A total of 1525 homozygous occurrences are observed in the gnomAD database. Benign computational verdict because 1 benign prediction from DANN. This evidence suggests the variant to be classified as benign. ACMG/AMP criteria applied: BA1, BS2, BP4.

National Institute of Mental Health and Neurosciences
Classification: Likely pathogenic for Glutaric aciduria, type 1. Last evaluated: 2015-12-08. Review status: no assertion criteria provided. Collection method: research. Allele origin: germline. Affected: yes. Observed: 10 variant alleles, 2 compound heterozygotes, 8 homozygotes. Not counted in ClinVar's aggregate classification.